The following is an entry in ClinVar:

ClinVar aggregate classification (germline): Conflicting classifications of pathogenicity. Review status: criteria provided, conflicting classifications (1 of 4 stars). 2 submissions from 2 submitters: Uncertain significance (1); Likely benign (1). Last evaluated 2025-01-13.

Conditions:
Hereditary cancer-predisposing syndrome. Also called: Neoplastic Syndromes, Hereditary; Tumor predisposition; Hereditary Cancer Syndrome; Hereditary neoplastic syndrome. Identifiers: Orphanet 140162, MedGen C0027672, MeSH D009386, MONDO:0015356.
Familial cancer of breast. Also called: BREAST CANCER, FAMILIAL; Hereditary breast cancer; hereditary breast carcinoma. Identifiers: Orphanet 227535, MedGen C0346153, MONDO:0016419, OMIM 114480. Disease mechanism: loss of function.

Submissions (2):

Labcorp Genetics (formerly Invitae), Labcorp
Classification: Uncertain significance for Familial cancer of breast. Last evaluated: 2025-01-13. Review status: criteria provided, single submitter. Criteria: Invitae Variant Classification Sherloc (09022015). Collection method: clinical testing. Allele origin: germline.
Comment: This sequence change replaces isoleucine, which is neutral and non-polar, with valine, which is neutral and non-polar, at codon 692 of the BARD1 protein (p.Ile692Val). This variant is not present in population databases (gnomAD no frequency). This variant has not been reported in the literature in individuals affected with BARD1-related conditions. ClinVar contains an entry for this variant (Variation ID: 1785437). An algorithm developed to predict the effect of missense changes on protein structure and function outputs the following: PolyPhen-2: "Benign". The valine amino acid residue is found in multiple mammalian species, which suggests that this missense change does not adversely affect protein function. In summary, the available evidence is currently insufficient to determine the role of this variant in disease. Therefore, it has been classified as a Variant of Uncertain Significance.

Ambry Genetics
Classification: Likely benign for Hereditary cancer-predisposing syndrome. Last evaluated: 2024-02-26. Review status: criteria provided, single submitter. Criteria: Ambry Variant Classification Scheme 2023. Collection method: clinical testing. Allele origin: germline.

NM_000465.4(BARD1):c.2074A>G (p.Ile692Val)

Gene: BARD1 (BRCA1 associated RING domain 1; minus strand). Cytogenetic location: 2q35.
Variant type: single nucleotide variant.
Coding change: c.2074A>G on transcript NM_000465.4 (MANE Select); coding-DNA position 2074, A replaced by G.
Protein change: p.Ile692Val; replaces isoleucine 692 with valine.
Molecular consequence: missense variant. On other transcripts: non-coding transcript variant (3).
Genome position (GRCh38, 1-based): chr2:214,728,936, T>C on the plus strand (A>G on the coding strand, the complement: BARD1 is on the minus strand). VCF-style: chr2-214728936-T-C. GRCh37 (hg19) VCF-style: chr2-215593660-T-C.
Other names: c.2017A>G, p.Ile673Val (NM_001282543.2); c.721A>G, p.Ile241Val (NM_001282545.2); c.664A>G, p.Ile222Val (NM_001282548.2); c.535A>G, p.Ile179Val (NM_001282549.2); short protein forms I241V, I179V, I222V, I692V, I673V.
Identifiers: ClinVar variation 1785437 (VCV001785437.7), dbSNP rs1574703604, ClinGen allele CA350450669.